The following is an entry in ClinVar:

ClinVar aggregate classification (germline): Uncertain significance. Review status: criteria provided, multiple submitters, no conflicts (2 of 4 stars). 2 submissions from 2 submitters: Uncertain significance (2). Last evaluated 2023-11-24.

Conditions:
Hereditary cancer-predisposing syndrome. Also called: Hereditary Cancer Syndrome; Tumor predisposition; Neoplastic Syndromes, Hereditary; Hereditary neoplastic syndrome. Identifiers: Orphanet 140162, MedGen C0027672, MeSH D009386, MONDO:0015356.
Familial cancer of breast. Also called: BREAST CANCER, FAMILIAL; hereditary breast carcinoma; Hereditary breast cancer. Identifiers: Orphanet 227535, MedGen C0346153, MONDO:0016419, OMIM 114480. Disease mechanism: loss of function.
Breast-ovarian cancer, familial, susceptibility to, 2 (BROVCA2). Also called: BRCA2 Hereditary Breast and Ovarian Cancer. Identifiers: Orphanet 145, MedGen C2675520, MONDO:0012933, OMIM 612555. Disease mechanism: loss of function.

Submissions (2):

Ambry Genetics
Classification: Uncertain significance for Hereditary cancer-predisposing syndrome. Last evaluated: 2023-11-24. Review status: criteria provided, single submitter. Criteria: Ambry Variant Classification Scheme 2023. Collection method: clinical testing. Allele origin: germline.
Comment: The p.F631C variant (also known as c.1892T>G), located in coding exon 9 of the BRCA2 gene, results from a T to G substitution at nucleotide position 1892. The phenylalanine at codon 631 is replaced by cysteine, an amino acid with highly dissimilar properties. This amino acid position is conserved. In addition, this alteration is predicted to be tolerated by in silico analysis. Since supporting evidence is limited at this time, the clinical significance of this alteration remains unclear.

Department of Pathology and Laboratory Medicine, Sinai Health System
Classification: Uncertain significance for Familial cancer of breast; Breast-ovarian cancer, familial, susceptibility to, 2. Last evaluated: 2020-06-23. Review status: criteria provided, single submitter. Criteria: ACMG Guidelines, 2015. Collection method: clinical testing. Allele origin: germline. Affected: yes.

NM_000059.4(BRCA2):c.1892T>G (p.Phe631Cys)

Gene: BRCA2 (BRCA2 DNA repair associated; plus strand). Cytogenetic location: 13q13.1.
Variant type: single nucleotide variant.
Coding change: c.1892T>G on transcript NM_000059.4 (MANE Select); coding-DNA position 1892, T replaced by G.
Protein change: p.Phe631Cys; replaces phenylalanine 631 with cysteine.
Molecular consequence: missense variant. On other transcripts: non-coding transcript variant (1), intron variant (1).
Genome position (GRCh38, 1-based): chr13:32,333,370, T>G. VCF-style: chr13-32333370-T-G. GRCh37 (hg19) VCF-style: chr13-32907507-T-G.
Other names: c.1892T>G, p.Phe631Cys (NM_001406719.1, NM_001406720.1, NM_001406721.1); c.424+2340T>G (NM_001406722.1); short protein forms F631C.
Identifiers: ClinVar variation 3225566 (VCV003225566.2), dbSNP rs2137476085, ClinGen allele CA387766755.
Genomic context (GRCh38, chr13:32,333,370, plus strand): 5'-CAGAACTAATTAACTGTTCAGCCCAGTTTGAAGCAAATGCTTTTGAAGCACCACTTACAT[T>G]TGCAAATGCTGATTCAGGTACCTCTGTCTTTTTTTTTTTGTAAATAGTACATATAGTTTT-3'
Protein context (NP_000050.3, residues 621-641): EANAFEAPLT[Phe631Cys]ANADSGLLHS